The following is an entry in ClinVar:

ClinVar aggregate classification (germline): Pathogenic (1 of 4 stars; one submission).

gnomAD v4.1: 4 of 1,539,166 alleles (0.00026%); highest among the groups gnomAD compares: African/African-American, 0.0055%; no homozygotes.

Submission:

Labcorp Genetics (formerly Invitae), Labcorp
Classification: Pathogenic. Last evaluated: 2024-11-03. Review status: criteria provided, single submitter. Criteria: Invitae Variant Classification Sherloc (09022015). Collection method: clinical testing. Allele origin: germline.
Comment: This sequence change creates a premature translational stop signal (p.Ser99*) in the TMPRSS15 gene. It is expected to result in an absent or disrupted protein product. Loss-of-function variants in TMPRSS15 are known to be pathogenic (PMID: 11719902). This variant is not present in population databases (gnomAD no frequency). This variant has not been reported in the literature in individuals affected with TMPRSS15-related conditions. For these reasons, this variant has been classified as Pathogenic.

Literature cited by the submitters: PubMed 11719902.

NM_002772.3(TMPRSS15):c.296C>G (p.Ser99Ter)

Gene: TMPRSS15 (transmembrane serine protease 15; minus strand). Cytogenetic location: 21q21.1.
Variant type: single nucleotide variant.
Coding change: c.296C>G on transcript NM_002772.3 (MANE Select); coding-DNA position 296, C replaced by G.
Protein change: p.Ser99Ter; replaces serine 99 with a stop codon.
Molecular consequence: nonsense.
Genome position (GRCh38, 1-based): chr21:18,397,927, G>C on the plus strand (C>G on the coding strand, the complement: TMPRSS15 is on the minus strand). VCF-style: chr21-18397927-G-C. GRCh37 (hg19) VCF-style: chr21-19770244-G-C.
Other names: c.296C>G, p.Ser99Ter (NM_001428056.1, NM_001428057.1); short protein forms S99*.
Identifiers: ClinVar variation 3645090 (VCV003645090.2).
Genomic context (GRCh38, chr21:18,397,927, plus strand): 5'-AGCTATACTCACTCAAATTGTAAAACTCTTGAGTTCTTATATTCATTCTTCAGATTGCTT[G>C]ATAGAAAGATCTCATCTATCTAGAAAAATATAAAAGATTGAATGAGTATACTAAATTTAG-3'